The following is an entry in ClinVar:

ClinVar aggregate classification (germline): Pathogenic (1 of 4 stars; one submission).

Submission:

Labcorp Genetics (formerly Invitae), Labcorp
Classification: Pathogenic. Last evaluated: 2025-04-17. Review status: criteria provided, single submitter. Criteria: Invitae Variant Classification Sherloc (09022015). Collection method: clinical testing. Allele origin: germline.
Comment: This sequence change creates a premature translational stop signal (p.Gln678Lysfs*8) in the OPA1 gene. It is expected to result in an absent or disrupted protein product. Loss-of-function variants in OPA1 are known to be pathogenic (PMID: 11440988, 20157015, 20952381, 25012220). This variant is not present in population databases (gnomAD no frequency). This variant has not been reported in the literature in individuals affected with OPA1-related conditions. ClinVar contains an entry for this variant (Variation ID: 1074919). For these reasons, this variant has been classified as Pathogenic.

Literature cited by the submitters: PubMed 11440988; PubMed 20157015; PubMed 20952381; PubMed 25012220.

NM_130837.3(OPA1):c.2197del (p.Gln733fs)

Gene: OPA1 (OPA1 mitochondrial dynamin like GTPase; plus strand). Cytogenetic location: 3q29.
Variant type: Deletion.
Coding change: c.2197del on transcript NM_130837.3 (MANE Select); coding-DNA position 2197, one base deleted (C; older notation c.2197delC).
Protein change: p.Gln733fs; shifts the reading frame from glutamine 733.
Molecular consequence: frameshift variant.
Genome position (GRCh38, 1-based): chr3:193,657,098, C deleted. VCF-style (leftmost placement, unchanged base first): chr3-193657097-AC-A. GRCh37 (hg19) VCF-style: chr3-193374886-AC-A.
Other names: c.1663del, p.Gln555fs (NM_001354663.2); c.1660del, p.Gln554fs (NM_001354664.2); c.2032del, p.Gln678fs (NM_015560.3); c.1924del, p.Gln642fs (NM_130831.3); c.1978del, p.Gln660fs (NM_130832.3); c.2035del, p.Gln679fs (NM_130833.3); c.2086del, p.Gln696fs (NM_130834.3); c.2089del, p.Gln697fs (NM_130835.3); and 1 more; short protein forms Q554fs, Q555fs, Q642fs, Q660fs, Q678fs, Q679fs, Q696fs, Q697fs.
Identifiers: ClinVar variation 1074919 (VCV001074919.5), dbSNP rs2109163111, ClinGen allele CA2499216633.